The following is an entry in ClinVar:

NM_001080517.3(SETD5):c.2464A>T (p.Lys822Ter)

Gene: SETD5 (SET domain containing 5; plus strand). Cytogenetic location: 3p25.3.
Variant type: single nucleotide variant.
Coding change: c.2464A>T on transcript NM_001080517.3 (MANE Select); coding-DNA position 2464, A replaced by T.
Protein change: p.Lys822Ter; replaces lysine 822 with a stop codon.
Molecular consequence: nonsense.
Genome position (GRCh38, 1-based): chr3:9,453,856, A>T. VCF-style: chr3-9453856-A-T. GRCh37 (hg19) VCF-style: chr3-9495540-A-T.
Other names: c.2170A>T, p.Lys724Ter (NM_001292043.2, NM_001349451.2); c.2560A>T, p.Lys854Ter (NM_001437633.1); c.2521A>T, p.Lys841Ter (NM_001437635.1); c.2464A>T, p.Lys822Ter (NM_001437643.1); c.2503A>T, p.Lys835Ter (NM_001437701.1); short protein forms K724*, K822*, K835*, K841*, K854*.
Identifiers: ClinVar variation 4882501 (VCV004882501.2).

ClinVar aggregate classification (germline): Likely pathogenic (1 of 4 stars; one submission).

Conditions:
Intellectual disability-facial dysmorphism syndrome due to SETD5 haploinsufficiency (MRD23). Also called: Intellectual developmental disorder, autosomal dominant 23. Identifiers: Orphanet 404440, MedGen C3810406, MONDO:0014336, OMIM 615761.

Submission:

Dasa
Classification: Likely pathogenic for Intellectual disability-facial dysmorphism syndrome due to SETD5 haploinsufficiency. Last evaluated: 2026-01-27. Review status: criteria provided, single submitter. Criteria: DASA Assertion Criteria. Collection method: clinical testing. Allele origin: germline.
Comment: NM_001080517.3(SETD5):c.2464A>T (p.Lys822*) is a nonsense variant in SETD5 predicted to introduce a premature termination codon and is predicted to result in an absent or altered protein product. Loss of function is an established disease mechanism for SETD5 (PMID: 25138099; PMID: 24680889). Also, this variant is rare in population databases. Based on the currently available evidence, this variant is classified as likely pathogenic.

Literature cited by the submitters: PubMed 25138099; PubMed 24680889.